The following is an entry in ClinVar:

ClinVar aggregate classification (germline): Pathogenic. Review status: criteria provided, multiple submitters, no conflicts (2 of 4 stars). 2 submissions from 2 submitters: Pathogenic (2). Last evaluated 2022-07-21.

Submissions (2):

Labcorp Genetics (formerly Invitae), Labcorp
Classification: Pathogenic. Last evaluated: 2022-07-21. Review status: criteria provided, single submitter. Criteria: Invitae Variant Classification Sherloc (09022015). Collection method: clinical testing. Allele origin: germline.
Comment: This variant disrupts the triple helix domain of COL2A1. Glycine residues within the Gly-Xaa-Yaa repeats of the triple helix domain are required for the structure and stability of fibrillar collagens (PMID: 7695699, 8218237, 19344236). In COL2A1, variants affecting these glycine residues are significantly enriched in individuals with disease (PMID: 9016532, 17078022) compared to the general population (ExAC). Advanced modeling of protein sequence and biophysical properties (such as structural, functional, and spatial information, amino acid conservation, physicochemical variation, residue mobility, and thermodynamic stability) performed at Invitae indicates that this missense variant is expected to disrupt COL2A1 protein function. ClinVar contains an entry for this variant (Variation ID: 280926). This missense change has been observed in individuals with spondyloepiphyseal dysplasia congenita (Invitae). This variant is not present in population databases (gnomAD no frequency). This sequence change replaces glycine, which is neutral and non-polar, with arginine, which is basic and polar, at codon 846 of the COL2A1 protein (p.Gly846Arg). This variant disrupts the p.Gly846 amino acid residue in COL2A1. Other variant(s) that disrupt this residue have been observed in individuals with COL2A1-related conditions (PMID: 15895462; Invitae), which suggests that this may be a clinically significant amino acid residue. For these reasons, this variant has been classified as Pathogenic.

GeneDx
Classification: Pathogenic. Last evaluated: 2019-01-02. Review status: criteria provided, single submitter. Criteria: GeneDx Variant Classification (06012015). Collection method: clinical testing. Allele origin: germline. Affected: yes.
Comment: The G846R pathogenic variant in the COL2A1 gene has not been reported previously as a pathogenic variant nor as a benign variant, to our knowledge. This variant was not observed in approximately 6500 individuals of European and African American ancestry in the NHLBI Exome Sequencing Project, indicating it is not a common benign variant in these populations. The G846R variant is a non-conservative amino acid substitution, which is likely to impact secondary protein structure as these residues differ in polarity, charge, size and/or other properties. This substitution occurs at a position that is conserved across species, affecting a Glycine residue of the triple-helical region containing Gly-X-Y repeats. In silico analysis predicts this variant is probably damaging to the protein structure/function. We interpret G846R as a pathogenic variant.

Literature cited by the submitters: PubMed 7695699 (cited by Labcorp Genetics (formerly Invitae), Labcorp); PubMed 8218237 (cited by Labcorp Genetics (formerly Invitae), Labcorp); PubMed 19344236 (cited by Labcorp Genetics (formerly Invitae), Labcorp); PubMed 9016532 (cited by Labcorp Genetics (formerly Invitae), Labcorp); PubMed 17078022 (cited by Labcorp Genetics (formerly Invitae), Labcorp); PubMed 15895462 (cited by Labcorp Genetics (formerly Invitae), Labcorp).

NM_001844.5(COL2A1):c.2536G>A (p.Gly846Arg)

Gene: COL2A1 (collagen type II alpha 1 chain; minus strand). Cytogenetic location: 12q13.11.
Variant type: single nucleotide variant.
Coding change: c.2536G>A on transcript NM_001844.5 (MANE Select); coding-DNA position 2536, G replaced by A.
Protein change: p.Gly846Arg; replaces glycine 846 with arginine.
Molecular consequence: missense variant.
Genome position (GRCh38, 1-based): chr12:47,980,643, C>T on the plus strand (G>A on the coding strand, the complement: COL2A1 is on the minus strand). VCF-style: chr12-47980643-C-T. GRCh37 (hg19) VCF-style: chr12-48374426-C-T.
Other names: c.2329G>A, p.Gly777Arg (NM_033150.3); short protein forms G846R, G777R.
Identifiers: ClinVar variation 280926 (VCV000280926.8), dbSNP rs886042043, ClinGen allele CA10603151.